The following is an entry in ClinVar:

ClinVar aggregate classification (germline): Uncertain significance (1 of 4 stars; one submission).

Submission:

Labcorp Genetics (formerly Invitae), Labcorp
Classification: Uncertain significance. Last evaluated: 2023-12-31. Review status: criteria provided, single submitter. Criteria: Invitae Variant Classification Sherloc (09022015). Collection method: clinical testing. Allele origin: germline.
Comment: This sequence change replaces glutamine, which is neutral and polar, with histidine, which is basic and polar, at codon 75 of the BGN protein (p.Gln75His). This variant is not present in population databases (gnomAD no frequency). This variant has not been reported in the literature in individuals affected with BGN-related conditions. ClinVar contains an entry for this variant (Variation ID: 1993300). Advanced modeling of protein sequence and biophysical properties (such as structural, functional, and spatial information, amino acid conservation, physicochemical variation, residue mobility, and thermodynamic stability) performed at Invitae indicates that this missense variant is not expected to disrupt BGN protein function with a negative predictive value of 80%. In summary, the available evidence is currently insufficient to determine the role of this variant in disease. Therefore, it has been classified as a Variant of Uncertain Significance.

NM_001711.6(BGN):c.225G>C (p.Gln75His)

Gene: BGN (biglycan; plus strand). Cytogenetic location: Xq28.
Variant type: single nucleotide variant.
Coding change: c.225G>C on transcript NM_001711.6 (MANE Select); coding-DNA position 225, G replaced by C.
Protein change: p.Gln75His; replaces glutamine 75 with histidine.
Molecular consequence: missense variant.
Genome position (GRCh38, 1-based): chrX:153,504,856, G>C. VCF-style: chrX-153504856-G-C. GRCh37 (hg19) VCF-style: chrX-152770314-G-C.
Other names: short protein forms Q75H.
Identifiers: ClinVar variation 1993300 (VCV001993300.4), dbSNP rs2521205143, ClinGen allele CA415068654.
Genomic context (GRCh38, chrX:153,504,856, plus strand): 5'-CACACCCACCTACAGCGCCATGTGTCCTTTCGGCTGCCACTGCCACCTGCGGGTGGTTCA[G>C]TGCTCCGACCTGGGTTTGTCCCTGAGTGATGGGGAGCGGGGCATGCAGGGAGGCTCAGGT-3'
Protein context (NP_001702.1, residues 65-85): FGCHCHLRVV[Gln75His]CSDLGLKSVP